The following is an entry in ClinVar:

NM_017841.4(SDHAF2):c.410del (p.Met137fs)

Gene: SDHAF2 (succinate dehydrogenase complex assembly factor 2; plus strand). Cytogenetic location: 11q12.2.
Variant type: Deletion.
Coding change: c.410del on transcript NM_017841.4 (MANE Select); coding-DNA position 410, one base deleted (T; older notation c.410delT).
Protein change: p.Met137fs; shifts the reading frame from methionine 137.
Molecular consequence: frameshift variant.
Genome position (GRCh38, 1-based): chr11:61,445,980, T deleted. VCF-style (leftmost placement, unchanged base first): chr11-61445979-AT-A. GRCh37 (hg19) VCF-style: chr11-61213451-AT-A.
Other names: short protein forms M137fs.
Identifiers: ClinVar variation 3438724 (VCV003438724.4).

ClinVar aggregate classification (germline): Conflicting classifications of pathogenicity. Review status: criteria provided, conflicting classifications (1 of 4 stars). 2 submissions from 2 submitters: Likely pathogenic (1); Uncertain significance (1). Last evaluated 2026-07-22.

Conditions:
Hereditary cancer-predisposing syndrome. Also called: Tumor predisposition; Hereditary Cancer Syndrome; Hereditary neoplastic syndrome; Neoplastic Syndromes, Hereditary. Identifiers: Orphanet 140162, MedGen C0027672, MeSH D009386, MONDO:0015356.
Hereditary pheochromocytoma and paraganglioma. Also called: Hereditary paragangliomas and pheochromocytomas; Hereditary Paraganglioma-Pheochromocytoma Syndromes; Hereditary pheochromocytoma-paraganglioma. Identifiers: Orphanet 29072, MedGen C4274332, MONDO:0017366.

Submissions (2):

Ambry Genetics
Classification: Likely pathogenic for Hereditary cancer-predisposing syndrome. Last evaluated: 2026-07-22. Review status: criteria provided, single submitter. Criteria: Ambry Variant Classification Scheme 2023. Collection method: clinical testing. Allele origin: germline.
Comment: The c.410delT (p.M137Rfs*4) alteration, located in exon 4 (coding exon 4) of the SDHAF2 gene, consists of a deletion of one nucleotide at position 410, causing a translational frameshift with a predicted alternate stop codon after 4 amino acids. This alteration occurs at the 3' terminus of theSDHAF2 gene, is not expected to trigger nonsense-mediated mRNA decay, and only impacts the last 18% of the protein. However, premature stop codons are typically deleterious in nature and the impacted region is critical for protein function (Ambry internal data). This variant was not reported in population-based cohorts in the Genome Aggregation Database (gnomAD). This variant has been observed in at least one individual with a personal and/or family history that is consistent with SDHAF2-associated disease (Ambry internal data). Based on the available evidence, this alteration is classified as likely pathogenic.

Labcorp Genetics (formerly Invitae), Labcorp
Classification: Uncertain significance for Hereditary pheochromocytoma and paraganglioma. Last evaluated: 2024-03-10. Review status: criteria provided, single submitter. Criteria: Invitae Variant Classification Sherloc (09022015). Collection method: clinical testing. Allele origin: germline.
Comment: This sequence change creates a premature translational stop signal (p.Met137Argfs*4) in the SDHAF2 gene. While this is not anticipated to result in nonsense mediated decay, it is expected to disrupt the last 30 amino acid(s) of the SDHAF2 protein. This variant is not present in population databases (gnomAD no frequency). This variant has not been reported in the literature in individuals affected with SDHAF2-related conditions. Algorithms developed to predict the effect of sequence changes on RNA splicing suggest that this variant may disrupt the consensus splice site. In summary, the available evidence is currently insufficient to determine the role of this variant in disease. Therefore, it has been classified as a Variant of Uncertain Significance.